The following is an entry in ClinVar:

ClinVar aggregate classification (germline): Uncertain significance (1 of 4 stars; one submission).

Conditions:
Hereditary cancer-predisposing syndrome. Also called: Tumor predisposition; Hereditary Cancer Syndrome; Hereditary neoplastic syndrome; Neoplastic Syndromes, Hereditary. Identifiers: Orphanet 140162, MedGen C0027672, MeSH D009386, MONDO:0015356.

gnomAD v4.1: 1 of 1,614,060 alleles (0.000062%); highest among the groups gnomAD compares: Non-Finnish European, 0.000085%; no homozygotes.

Submission:

Ambry Genetics
Classification: Uncertain significance for Hereditary cancer-predisposing syndrome. Last evaluated: 2025-12-01. Review status: criteria provided, single submitter. Criteria: Ambry Variant Classification Scheme 2023. Collection method: clinical testing. Allele origin: germline.
Comment: The p.F583V variant (also known as c.1747T>G), located in coding exon 13 of the PTCH1 gene, results from a T to G substitution at nucleotide position 1747. The phenylalanine at codon 583 is replaced by valine, an amino acid with highly similar properties. This amino acid position is highly conserved in available vertebrate species. In addition, this alteration is predicted to be deleterious by in silico analysis. Based on the available evidence, the clinical significance of this variant remains unclear.

NM_000264.5(PTCH1):c.1747T>G (p.Phe583Val)

Genes: PTCH1 (patched 1; minus strand), LOC100507346 (uncharacterized LOC100507346; plus strand). Cytogenetic location: 9q22.32.
Variant type: single nucleotide variant.
Coding change: c.1747T>G on transcript NM_000264.5 (MANE Select); coding-DNA position 1747, T replaced by G.
Protein change: p.Phe583Val; replaces phenylalanine 583 with valine.
Molecular consequence: missense variant. On other transcripts: non-coding transcript variant (2).
Genome position (GRCh38, 1-based): chr9:95,469,913, A>C on the plus strand (T>G on the coding strand, the complement: PTCH1 is on the minus strand). VCF-style: chr9-95469913-A-C. GRCh37 (hg19) VCF-style: chr9-98232195-A-C.
Other names: c.1549T>G, p.Phe517Val (NM_001083602.3); c.1744T>G, p.Phe582Val (NM_001083603.3); c.1294T>G, p.Phe432Val (NM_001083604.3, NM_001083605.3, NM_001083606.3 and 1 more transcripts); c.1591T>G, p.Phe531Val (NM_001354918.2); short protein forms F583V, F517V, F531V, F432V, F582V.
Identifiers: ClinVar variation 486203 (VCV000486203.6), dbSNP rs1554695616, ClinGen allele CA374116443.